The following is an entry in ClinVar:

NM_014639.4(SKIC3):c.3836C>G (p.Ala1279Gly)

Gene: SKIC3 (SKI3 subunit of superkiller complex; minus strand). Cytogenetic location: 5q15.
Variant type: single nucleotide variant.
Coding change: c.3836C>G on transcript NM_014639.4 (MANE Select); coding-DNA position 3836, C replaced by G.
Protein change: p.Ala1279Gly; replaces alanine 1279 with glycine.
Molecular consequence: missense variant.
Genome position (GRCh38, 1-based): chr5:95,491,003, G>C on the plus strand (C>G on the coding strand, the complement: SKIC3 is on the minus strand). VCF-style: chr5-95491003-G-C. GRCh37 (hg19) VCF-style: chr5-94826707-G-C.
Other names: short protein forms A1279G.
Identifiers: ClinVar variation 1415605 (VCV001415605.3), dbSNP rs906426108, ClinGen allele CA122827931.

ClinVar aggregate classification (germline): Uncertain significance (1 of 4 stars; one submission).

Allele frequency attached by ClinVar (database versions not stated): gnomAD 0.00003 and 0.00004; TOPMed 0.00003.
gnomAD v4.1: 12 of 1,613,900 alleles (0.00074%); highest among the groups gnomAD compares: Non-Finnish European, 0.001%; no homozygotes.

Submission:

Labcorp Genetics (formerly Invitae), Labcorp
Classification: Uncertain significance. Last evaluated: 2022-08-01. Review status: criteria provided, single submitter. Criteria: Invitae Variant Classification Sherloc (09022015). Collection method: clinical testing. Allele origin: germline.
Comment: This sequence change replaces alanine, which is neutral and non-polar, with glycine, which is neutral and non-polar, at codon 1279 of the TTC37 protein (p.Ala1279Gly). The frequency data for this variant in the population databases is considered unreliable, as metrics indicate poor data quality at this position in the gnomAD database. This variant has not been reported in the literature in individuals affected with TTC37-related conditions. ClinVar contains an entry for this variant (Variation ID: 1415605). Algorithms developed to predict the effect of missense changes on protein structure and function are either unavailable or do not agree on the potential impact of this missense change (SIFT: "Tolerated"; PolyPhen-2: "Probably Damaging"; Align-GVGD: "Class C0"). In summary, the available evidence is currently insufficient to determine the role of this variant in disease. Therefore, it has been classified as a Variant of Uncertain Significance.